The following is an entry in ClinVar:

NM_031433.4(MFRP):c.58G>A (p.Glu20Lys)

Genes: C1QTNF5 (C1q and TNF related 5; minus strand), MFRP (membrane frizzled-related protein; minus strand). Cytogenetic location: 11q23.3.
Variant type: single nucleotide variant.
Coding change: c.58G>A on transcript NM_031433.4 (MANE Select); coding-DNA position 58, G replaced by A.
Protein change: p.Glu20Lys; replaces glutamic acid 20 with lysine.
Molecular consequence: missense variant. On other transcripts: 5 prime UTR variant (1).
Genome position (GRCh38, 1-based): chr11:119,346,371, C>T on the plus strand (G>A on the coding strand, the complement: MFRP is on the minus strand). VCF-style: chr11-119346371-C-T. GRCh37 (hg19) VCF-style: chr11-119217081-C-T.
Other names: c.-2579G>A (NM_015645.5); short protein forms E20K.
Identifiers: ClinVar variation 302981 (VCV000302981.13), dbSNP rs529716845, ClinGen allele CA6320719.

ClinVar aggregate classification (germline): Uncertain significance. Review status: criteria provided, multiple submitters, no conflicts (2 of 4 stars). 5 submissions from 4 submitters: Uncertain significance (5). Last evaluated 2025-11-12.

Conditions:
Inborn genetic diseases. Identifiers: MedGen C0950123, MeSH D030342.
Late-onset retinal degeneration (LORD). Also called: RETINAL DEGENERATION, LATE-ONSET, AUTOSOMAL DOMINANT. Identifiers: Orphanet 67042, MedGen C1854065, MONDO:0011579, OMIM 605670. Disease mechanism: loss of function.
Isolated microphthalmia 5. Also called: Posterior Microphthalmia with Retinitis Pigmentosa, Foveoschisis, and Optic Disc Drusen. Identifiers: Orphanet 251279, MedGen C1970236, MONDO:0012605, OMIM 611040.

Allele frequency attached by ClinVar (database versions not stated): gnomAD exomes 0.00003 and 0.00004; gnomAD 0.00001 and 0.00002; 1000 Genomes Project 30x 0.00016; ExAC 0.00004; 1000 Genomes Project 0.00020; TOPMed 0.00002.
gnomAD v4.1: 58 of 1,613,970 alleles (0.0036%); highest among the groups gnomAD compares: Admixed American, 0.005%; no homozygotes.

Submissions (5):

Ambry Genetics
Classification: Uncertain significance for Inborn genetic diseases. Last evaluated: 2025-11-12. Review status: criteria provided, single submitter. Criteria: Ambry Variant Classification Scheme 2023. Collection method: clinical testing. Allele origin: germline.

Blueprint Genetics
Classification: Uncertain significance. Last evaluated: 2022-12-30. Review status: criteria provided, single submitter. Criteria: ACMG Guidelines, 2015. Collection method: clinical testing. Allele origin: germline.

Labcorp Genetics (formerly Invitae), Labcorp
Classification: Uncertain significance for Isolated microphthalmia 5. Last evaluated: 2022-10-13. Review status: criteria provided, single submitter. Criteria: Invitae Variant Classification Sherloc (09022015). Collection method: clinical testing. Allele origin: germline.
Comment: In summary, the available evidence is currently insufficient to determine the role of this variant in disease. Therefore, it has been classified as a Variant of Uncertain Significance. Advanced modeling of protein sequence and biophysical properties (such as structural, functional, and spatial information, amino acid conservation, physicochemical variation, residue mobility, and thermodynamic stability) performed at Invitae indicates that this missense variant is expected to disrupt MFRP protein function. ClinVar contains an entry for this variant (Variation ID: 302981). This variant has not been reported in the literature in individuals affected with MFRP-related conditions. This variant is present in population databases (rs529716845, gnomAD 0.01%). This sequence change replaces glutamic acid, which is acidic and polar, with lysine, which is basic and polar, at codon 20 of the MFRP protein (p.Glu20Lys).

Illumina Laboratory Services, Illumina
Classification: Uncertain significance for Isolated microphthalmia 5. Last evaluated: 2018-01-13. Review status: criteria provided, single submitter. Criteria: ICSL Variant Classification Criteria 13 December 2019. Collection method: clinical testing. Allele origin: germline.

Illumina Laboratory Services, Illumina
Classification: Uncertain significance for Late-onset retinal degeneration. Last evaluated: 2018-01-13. Review status: criteria provided, single submitter. Criteria: ICSL Variant Classification Criteria 13 December 2019. Collection method: clinical testing. Allele origin: germline.